The following is an entry in ClinVar:

NM_033100.4(CDHR1):c.790del (p.Glu264fs)

Gene: CDHR1 (cadherin related family member 1; plus strand). Cytogenetic location: 10q23.1.
Variant type: Deletion.
Coding change: c.790del on transcript NM_033100.4 (MANE Select); coding-DNA position 790, one base deleted (G; older notation c.790delG).
Protein change: p.Glu264fs; shifts the reading frame from glutamic acid 264.
Molecular consequence: frameshift variant.
Genome position (GRCh38, 1-based): chr10:84,204,533, G deleted; the last of 2 consecutive G bases (chr10:84,204,532-84,204,533); deleting either gives the same sequence. VCF-style (leftmost placement, unchanged base first): chr10-84204531-CG-C. GRCh37 (hg19) VCF-style: chr10-85964287-CG-C.
Other names: c.790del, p.Glu264fs (NM_001171971.3); short protein forms E264fs.
Identifiers: ClinVar variation 866189 (VCV000866189.4), dbSNP rs1842189258, ClinGen allele CA916083153.

ClinVar aggregate classification (germline): Likely pathogenic. Review status: criteria provided, multiple submitters, no conflicts (2 of 4 stars). 2 submissions from 2 submitters: Likely pathogenic (2). Last evaluated 2026-01-09.

Conditions:
CDHR1-related disorders.

Submissions (2):

Dasa
Classification: Likely pathogenic. Last evaluated: 2026-01-09. Review status: criteria provided, single submitter. Criteria: DASA Assertion Criteria. Collection method: clinical testing. Allele origin: germline.
Comment: NM_033100.4(CDHR1):c.790del (p.Glu264Argfs*3) is a frameshift variant in CDHR1 predicted to alter the reading frame and introduce a premature termination codon and is predicted to result in an absent or altered protein product. Loss of function is an established disease mechanism for CDHR1-associated disorders. Also, this variant is rare in population databases. Based on the currently available evidence, this variant is classified as likely pathogenic.

Blueprint Genetics
Classification: Likely pathogenic for CDHR1-related disorders. Last evaluated: 2018-10-02. Review status: criteria provided, single submitter. Criteria: ACMG Guidelines, 2015. Collection method: clinical testing. Allele origin: germline. Affected: yes. Observed: 1 variant allele.